The following is an entry in ClinVar:

NM_000038.6(APC):c.7565C>T (p.Pro2522Leu)

Gene: APC (APC regulator of Wnt signaling pathway; plus strand). Cytogenetic location: 5q22.2.
Variant type: single nucleotide variant.
Coding change: c.7565C>T on transcript NM_000038.6 (MANE Select); coding-DNA position 7565, C replaced by T.
Protein change: p.Pro2522Leu; replaces proline 2522 with leucine.
Molecular consequence: missense variant.
Genome position (GRCh38, 1-based): chr5:112,843,159, C>T. VCF-style: chr5-112843159-C-T. GRCh37 (hg19) VCF-style: chr5-112178856-C-T.
Other names: c.7565C>T, p.Pro2522Leu (NM_001127510.3, NM_001354895.2); c.7511C>T, p.Pro2504Leu (NM_001127511.3); c.7619C>T, p.Pro2540Leu (NM_001354896.2); c.7595C>T, p.Pro2532Leu (NM_001354897.2); c.7490C>T, p.Pro2497Leu (NM_001354898.2); c.7481C>T, p.Pro2494Leu (NM_001354899.2); c.7442C>T, p.Pro2481Leu (NM_001354900.2); c.7388C>T, p.Pro2463Leu (NM_001354901.2); and 5 more; short protein forms P2540L, P2362L, P2396L, P2431L, P2481L, P2504L, P2532L, P2522L.
Identifiers: ClinVar variation 921619 (VCV000921619.11), dbSNP rs763438389, ClinGen allele CA16037775.

ClinVar aggregate classification (germline): Uncertain significance. Review status: criteria provided, multiple submitters, no conflicts (2 of 4 stars). 4 submissions from 4 submitters: Uncertain significance (4). Last evaluated 2025-05-15.

Conditions:
Classic or attenuated familial adenomatous polyposis. Identifiers: MedGen CN372698, MONDO:0021057.
Hereditary cancer-predisposing syndrome. Also called: Neoplastic Syndromes, Hereditary; Tumor predisposition; Hereditary Cancer Syndrome; Hereditary neoplastic syndrome. Identifiers: Orphanet 140162, MedGen C0027672, MeSH D009386, MONDO:0015356.
Familial adenomatous polyposis 1 (FAP1). Also called: FAMILIAL ADENOMATOUS POLYPOSIS 1, ATTENUATED; POLYPOSIS, ADENOMATOUS INTESTINAL. Identifiers: MedGen C2713442, MONDO:0021056, OMIM 175100. Disease mechanism: loss of function.

Allele frequency attached by ClinVar (database versions not stated): gnomAD 0.00001.

Submissions (4):

Labcorp Genetics (formerly Invitae), Labcorp
Classification: Uncertain significance for Familial adenomatous polyposis 1. Last evaluated: 2025-05-15. Review status: criteria provided, single submitter. Criteria: Invitae Variant Classification Sherloc (09022015). Collection method: clinical testing. Allele origin: germline.
Comment: This sequence change replaces proline, which is neutral and non-polar, with leucine, which is neutral and non-polar, at codon 2522 of the APC protein (p.Pro2522Leu). This variant is not present in population databases (gnomAD no frequency). This variant has not been reported in the literature in individuals affected with APC-related conditions. ClinVar contains an entry for this variant (Variation ID: 921619). Invitae Evidence Modeling of protein sequence and biophysical properties (such as structural, functional, and spatial information, amino acid conservation, physicochemical variation, residue mobility, and thermodynamic stability) indicates that this missense variant is not expected to disrupt APC protein function with a negative predictive value of 95%. In summary, the available evidence is currently insufficient to determine the role of this variant in disease. Therefore, it has been classified as a Variant of Uncertain Significance.

All of Us Research Program, National Institutes of Health
Classification: Uncertain significance for Classic or attenuated familial adenomatous polyposis. Last evaluated: 2024-08-13. Review status: criteria provided, single submitter. Criteria: ACMG Guidelines, 2015. Collection method: clinical testing. Allele origin: germline. Inheritance: Autosomal dominant inheritance. Observed: 2 variant alleles, 2 heterozygotes.
Comment: This missense variant replaces proline with leucine at codon 2522 of the APC protein. Computational prediction is inconclusive regarding the impact of this variant on protein structure and function (internally defined REVEL score threshold 0.5 < inconclusive < 0.7, PMID: 27666373). To our knowledge, functional studies have not been reported for this variant. This variant has not been reported in individuals affected with hereditary cancer in the literature. This variant has been identified in 1/31402 chromosomes in the general population by the Genome Aggregation Database (gnomAD). The available evidence is insufficient to determine the role of this variant in disease conclusively. Therefore, this variant is classified as a Variant of Uncertain Significance.

This study involves interpretation of variants in research participants for the purpose of population health screening. Participant phenotype was not available at the time of variant classification. Additional details can be found in publication PMID: 35346344, PMCID: PMC8962531

Color Diagnostics, LLC DBA Color Health
Classification: Uncertain significance for Hereditary cancer-predisposing syndrome. Last evaluated: 2024-03-06. Review status: criteria provided, single submitter. Criteria: ACMG Guidelines, 2015. Collection method: clinical testing. Allele origin: germline.
Comment: This missense variant replaces proline with leucine at codon 2522 of the APC protein. Computational prediction is inconclusive regarding the impact of this variant on protein structure and function (internally defined REVEL score threshold 0.5 < inconclusive < 0.7, PMID: 27666373). To our knowledge, functional studies have not been reported for this variant. This variant has not been reported in individuals affected with hereditary cancer in the literature. This variant has been identified in 1/31402 chromosomes in the general population by the Genome Aggregation Database (gnomAD). The available evidence is insufficient to determine the role of this variant in disease conclusively. Therefore, this variant is classified as a Variant of Uncertain Significance.

Ambry Genetics
Classification: Uncertain significance for Hereditary cancer-predisposing syndrome. Last evaluated: 2024-03-03. Review status: criteria provided, single submitter. Criteria: Ambry Variant Classification Scheme 2023. Collection method: clinical testing. Allele origin: germline.
Comment: The p.P2522L variant (also known as c.7565C>T), located in coding exon 15 of the APC gene, results from a C to T substitution at nucleotide position 7565. The proline at codon 2522 is replaced by leucine, an amino acid with similar properties. This amino acid position is conserved. In addition, in silico predictors for this gene do not accurately predict pathogenicity. Based on the available evidence, the clinical significance of this alteration remains unclear.